The following is an entry in ClinVar:

ClinVar aggregate classification (germline): Likely benign (1 of 4 stars; one submission).

Allele frequency attached by ClinVar (database versions not stated): TOPMed below 0.00001; gnomAD exomes 0.00001.
gnomAD v4.1: 5 of 1,614,182 alleles (0.00031%); highest among the groups gnomAD compares: Non-Finnish European, 0.00042%; no homozygotes.

Submission:

CeGaT Center for Human Genetics Tuebingen
Classification: Likely benign. Last evaluated: 2023-01-01. Review status: criteria provided, single submitter. Criteria: CeGaT Center For Human Genetics Tuebingen Variant Classification Criteria Version 2. Collection method: clinical testing. Allele origin: germline. Affected: yes. Observed: 1 variant allele.
Comment: NSD1: BP4, BP7

NM_022455.5(NSD1):c.3657A>G (p.Thr1219=)

Gene: NSD1 (nuclear receptor binding SET domain protein 1; plus strand). Cytogenetic location: 5q35.3.
Variant type: single nucleotide variant.
Coding change: c.3657A>G on transcript NM_022455.5 (MANE Select); coding-DNA position 3657, A replaced by G.
Protein change: p.Thr1219=; no amino-acid change (threonine 1219 retained).
Molecular consequence: synonymous variant.
Genome position (GRCh38, 1-based): chr5:177,212,056, A>G. VCF-style: chr5-177212056-A-G. GRCh37 (hg19) VCF-style: chr5-176639057-A-G.
Other names: c.2784A>G, p.Thr928= (NM_001365684.2, NM_001409306.1, NM_001409307.1 and 3 more transcripts); c.3657A>G, p.Thr1219= (NM_001409301.1, NM_001409302.1, NM_001409303.1); c.3237A>G, p.Thr1079= (NM_001409304.1); c.2904A>G, p.Thr968= (NM_001409305.1).
Identifiers: ClinVar variation 2656107 (VCV002656107.24), dbSNP rs886060442, ClinGen allele CA10624232.